The following is an entry in ClinVar:

ClinVar aggregate classification (germline): Likely benign. Review status: criteria provided, multiple submitters, no conflicts (2 of 4 stars). 2 submissions from 2 submitters: Likely benign (2). Last evaluated 2025-03-01.

Conditions:
Hereditary motor and sensory neuropathy, Okinawa type (HMSNO). Also called: HEREDITARY MOTOR AND SENSORY NEUROPATHY, PROXIMAL TYPE. Identifiers: Orphanet 90117, MedGen C1858338, MONDO:0011468, OMIM 604484.
Hereditary spastic paraplegia 57. Also called: Spastic paraplegia 57, autosomal recessive. Identifiers: Orphanet 431329, MedGen C3714897, MONDO:0014295, OMIM 615658.

Allele frequency attached by ClinVar (database versions not stated): gnomAD 0.00001 and 0.00004; gnomAD exomes 0.00007 and 0.00012; 1000 Genomes Project 30x 0.00016; ExAC 0.00016; 1000 Genomes Project 0.00020.

Submissions (2):

CeGaT Center for Human Genetics Tuebingen
Classification: Likely benign. Last evaluated: 2025-03-01. Review status: criteria provided, single submitter. Criteria: CeGaT Center For Human Genetics Tuebingen Variant Classification Criteria Version 2. Collection method: clinical testing. Allele origin: germline. Affected: yes. Observed: 3 variant alleles.
Comment: TFG: BP4, BP7

Labcorp Genetics (formerly Invitae), Labcorp
Classification: Likely benign for Hereditary motor and sensory neuropathy, Okinawa type; Hereditary spastic paraplegia 57. Last evaluated: 2023-12-18. Review status: criteria provided, single submitter. Criteria: Invitae Variant Classification Sherloc (09022015). Collection method: clinical testing. Allele origin: germline.

NM_006070.6(TFG):c.705A>G (p.Gln235=)

Gene: TFG (trafficking from ER to golgi regulator; plus strand). Cytogenetic location: 3q12.2.
Variant type: single nucleotide variant.
Coding change: c.705A>G on transcript NM_006070.6 (MANE Select); coding-DNA position 705, A replaced by G.
Protein change: p.Gln235=; no amino-acid change (glutamine 235 retained).
Molecular consequence: synonymous variant.
Genome position (GRCh38, 1-based): chr3:100,736,700, A>G. VCF-style: chr3-100736700-A-G. GRCh37 (hg19) VCF-style: chr3-100455544-A-G.
Other names: c.705A>G, p.Gln235= (NM_001007565.2, NM_001195478.2, NM_001195479.2).
Identifiers: ClinVar variation 1616411 (VCV001616411.22), dbSNP rs372286781, ClinGen allele CA2517156.
Genomic context (GRCh38, chr3:100,736,700, plus strand): 5'-AGCAGCTCACCCACCAGGCGTTCAGCCACAGCAGCCACCATATACAGGAGCTCAGACTCA[A>G]GCAGGTCAGATTGAAGGTAAAATAGAGTTTAGAACACATGTTTGGGAAAGTACATGTGTA-3'
Protein context (NP_006061.2, residues 225-245): QQPPYTGAQT[Gln235=]AGQIEGQMYQ